The following is an entry in ClinVar:

ClinVar aggregate classification (germline): Uncertain significance. Review status: criteria provided, multiple submitters, no conflicts (2 of 4 stars). 6 submissions from 6 submitters: Uncertain significance (5). 1 of the submissions does not count toward it. Last evaluated 2026-01-27.

Conditions:
Ehlers-Danlos syndrome, dermatosparaxis type. Also called: EDS VIIC; Dermatosparaxis; Ehlers-Danlos syndrome, type VII, autosomal recessive. Identifiers: Orphanet 1901, MedGen C2700425, MONDO:0009161, OMIM 225410.
Inborn genetic diseases. Identifiers: MedGen C0950123, MeSH D030342.

Allele frequency attached by ClinVar (database versions not stated): TOPMed 0.00003; gnomAD exomes 0.00005; ExAC 0.00008; ESP Exome Variant Server 0.00008.
gnomAD v4.1: 46 of 1,608,772 alleles (0.0029%); highest among the groups gnomAD compares: South Asian, 0.0066%; no homozygotes.

Submissions (6):

Women's Health and Genetics/Laboratory Corporation of America, LabCorp
Classification: Uncertain significance. Last evaluated: 2026-01-27. Review status: criteria provided, single submitter. Criteria: LabCorp Variant Classification Summary - May 2015. Collection method: clinical testing. Allele origin: germline.
Comment: Variant summary: ADAMTS2 c.1430C>T (p.Ala477Val) results in a non-conservative amino acid change in the encoded protein sequence. Algorithms developed to predict the effect of missense changes on protein structure and function are either unavailable or do not agree on the potential impact of this missense change. The variant allele was found at a frequency of 4.9e-05 in 243290 control chromosomes. This frequency is not significantly higher than estimated for disease-causing variants in ADAMTS2, allowing no conclusion about variant significance. To our knowledge, no occurrence of c.1430C>T in individuals affected with ADAMTS2-related conditions and no experimental evidence demonstrating its impact on protein function have been reported. ClinVar contains an entry for this variant (Variation ID: 423427). Based on the evidence outlined above, the variant was classified as uncertain significance.

Ambry Genetics
Classification: Uncertain significance for Inborn genetic diseases. Last evaluated: 2023-12-18. Review status: criteria provided, single submitter. Criteria: Ambry Variant Classification Scheme 2023. Collection method: clinical testing. Allele origin: germline.

Labcorp Genetics (formerly Invitae), Labcorp
Classification: Uncertain significance for Ehlers-Danlos syndrome, dermatosparaxis type. Last evaluated: 2022-06-27. Review status: criteria provided, single submitter. Criteria: Invitae Variant Classification Sherloc (09022015). Collection method: clinical testing. Allele origin: germline.
Comment: This sequence change replaces alanine, which is neutral and non-polar, with valine, which is neutral and non-polar, at codon 477 of the ADAMTS2 protein (p.Ala477Val). This variant is present in population databases (rs370614125, gnomAD 0.01%). This variant has not been reported in the literature in individuals affected with ADAMTS2-related conditions. ClinVar contains an entry for this variant (Variation ID: 423427). Algorithms developed to predict the effect of missense changes on protein structure and function are either unavailable or do not agree on the potential impact of this missense change (SIFT: "Deleterious"; PolyPhen-2: "Benign"; Align-GVGD: "Class C0"). Algorithms developed to predict the effect of sequence changes on RNA splicing suggest that this variant may create or strengthen a splice site. In summary, the available evidence is currently insufficient to determine the role of this variant in disease. Therefore, it has been classified as a Variant of Uncertain Significance.

Fulgent Genetics
Classification: Uncertain significance for Ehlers-Danlos syndrome, dermatosparaxis type. Last evaluated: 2022-01-11. Review status: criteria provided, single submitter. Criteria: ACMG Guidelines, 2015. Collection method: clinical testing. Allele origin: unknown.

GeneDx
Classification: Uncertain significance. Last evaluated: 2017-02-23. Review status: criteria provided, single submitter. Criteria: GeneDx Variant Classification (06012015). Collection method: clinical testing. Allele origin: germline. Affected: yes.
Comment: The A477V variant in the ADAMTS2 gene has not been reported previously as a pathogenic variant, nor as a benign variant, to our knowledge. The A477V variant is not observed at a significant frequency in large population cohorts (Lek et al., 2016; 1000 Genomes Consortium et al., 2015; Exome Variant Server). The A477V variant is a conservative amino acid substitution, which is not likely to impact secondary protein structure as these residues share similar properties. This substitution occurs at a position that is not conserved. In silico analysis is inconsistent in its predictions as to whether or not the variant is damaging to the protein structure/function. We interpret A477V as a variant of uncertain significance.

Natera, Inc.
Classification: Uncertain significance for Ehlers-Danlos syndrome type VIIC. Last evaluated: 2020-09-16. Review status: no assertion criteria provided. Collection method: clinical testing. Allele origin: germline. Not counted in ClinVar's aggregate classification.

NM_014244.5(ADAMTS2):c.1430C>T (p.Ala477Val)

Gene: ADAMTS2 (ADAM metallopeptidase with thrombospondin type 1 motif 2; minus strand). Cytogenetic location: 5q35.3.
Variant type: single nucleotide variant.
Coding change: c.1430C>T on transcript NM_014244.5 (MANE Select); coding-DNA position 1430, C replaced by T.
Protein change: p.Ala477Val; replaces alanine 477 with valine.
Molecular consequence: missense variant.
Genome position (GRCh38, 1-based): chr5:179,153,576, G>A on the plus strand (C>T on the coding strand, the complement: ADAMTS2 is on the minus strand). VCF-style: chr5-179153576-G-A. GRCh37 (hg19) VCF-style: chr5-178580577-G-A.
Other names: c.1430C>T, p.Ala477Val (NM_021599.4); short protein forms A477V.
Identifiers: ClinVar variation 423427 (VCV000423427.10), dbSNP rs370614125, ClinGen allele CA3595915.